The following is an entry in ClinVar:

NM_014908.4(DOLK):c.964C>G (p.Arg322Gly)

Gene: DOLK (dolichol kinase; minus strand). Cytogenetic location: 9q34.11.
Variant type: single nucleotide variant.
Coding change: c.964C>G on transcript NM_014908.4 (MANE Select); coding-DNA position 964, C replaced by G.
Protein change: p.Arg322Gly; replaces arginine 322 with glycine.
Molecular consequence: missense variant.
Genome position (GRCh38, 1-based): chr9:128,946,340, G>C on the plus strand (C>G on the coding strand, the complement: DOLK is on the minus strand). VCF-style: chr9-128946340-G-C. GRCh37 (hg19) VCF-style: chr9-131708619-G-C.
Other names: short protein forms R322G.
Identifiers: ClinVar variation 2500022 (VCV002500022.1), dbSNP rs1350623268, ClinGen allele CA375121271.
Genomic context (GRCh38, chr9:128,946,340, plus strand): 5'-GGTGGAAATACTTTCGGGCGATGGTGGGGGCCTGGTGCTTCTTGGACTCGGAAGATGACC[G>C]CTTGGCATTCTGGTACAGCACCACCAGGCAGGCCAAGGTGGCCAGCAGAGACCAATAGGC-3'
Protein context (NP_055723.1, residues 312-332): CLVVLYQNAK[Arg322Gly]SSSESKKHQA

ClinVar aggregate classification (germline): Uncertain significance (1 of 4 stars; one submission).

Conditions:
DK1-congenital disorder of glycosylation. Also called: DK1-CDG; CDG Im; DK1 DEFICIENCY; DOLICHOL KINASE DEFICIENCY; DOLK-congenital disorder of glycosylation; Carbohydrate deficient glycoprotein syndrome type 1m. Identifiers: Orphanet 91131, MedGen C1835849, MONDO:0012556, OMIM 610768.

Submission:

Center for Genomics, Ann and Robert H. Lurie Children's Hospital of Chicago
Classification: Uncertain significance for DK1-congenital disorder of glycosylation. Last evaluated: 2021-03-30. Review status: criteria provided, single submitter. Criteria: ACMG Guidelines, 2015. Collection method: clinical testing. Allele origin: germline.
Comment: DOLK NM_014908.3 exon 1 p.Arg322Gly (c.964C>G): This variant has not been reported in the literature and is not present in large control databases. Evolutionary conservation suggests that this variant may impact the protein; computational predictive tools are unclear. In summary, data on this variant is insufficient for disease classification. Therefore, the clinical significance of this variant is uncertain.